The following is an entry in ClinVar:

NM_207122.2(EXT2):c.425A>G (p.Tyr142Cys)

Gene: EXT2 (exostosin glycosyltransferase 2; plus strand). Cytogenetic location: 11p11.2.
Variant type: single nucleotide variant.
Coding change: c.425A>G on transcript NM_207122.2 (MANE Select); coding-DNA position 425, A replaced by G.
Protein change: p.Tyr142Cys; replaces tyrosine 142 with cysteine.
Molecular consequence: missense variant.
Genome position (GRCh38, 1-based): chr11:44,108,137, A>G. VCF-style: chr11-44108137-A-G. GRCh37 (hg19) VCF-style: chr11-44129687-A-G.
Other names: c.524A>G, p.Tyr175Cys (NM_000401.3); c.425A>G, p.Tyr142Cys (NM_001178083.3, NM_001389628.1, NM_001389630.1); c.425A>G (NM_207122.1); short protein forms Y142C, Y175C.
Identifiers: ClinVar variation 1476753 (VCV001476753.9), dbSNP rs762657738, ClinGen allele CA5954883.

ClinVar aggregate classification (germline): Uncertain significance. Review status: criteria provided, multiple submitters, no conflicts (2 of 4 stars). 2 submissions from 2 submitters: Uncertain significance (2). Last evaluated 2025-03-22.

Conditions:
Exostoses, multiple, type 2 (EXT2). Also called: Hereditary Multiple Osteochondromatosis, Type II; EXOSTOSES, MULTIPLE, TYPE II. Identifiers: Orphanet 321, MedGen C1851413, MONDO:0007586, OMIM 133701.
EXT2-related disorder. Also called: EXT2-related condition.

Allele frequency attached by ClinVar (database versions not stated): ExAC 0.00001; TOPMed 0.00002; gnomAD 0.00003.
gnomAD v4.1: 16 of 1,614,010 alleles (0.00099%); highest among the groups gnomAD compares: East Asian, 0.0022%; no homozygotes.

Submissions (2):

Labcorp Genetics (formerly Invitae), Labcorp
Classification: Uncertain significance for Exostoses, multiple, type 2. Last evaluated: 2025-03-22. Review status: criteria provided, single submitter. Criteria: Invitae Variant Classification Sherloc (09022015). Collection method: clinical testing. Allele origin: germline.
Comment: This sequence change replaces tyrosine, which is neutral and polar, with cysteine, which is neutral and slightly polar, at codon 142 of the EXT2 protein (p.Tyr142Cys). This variant is present in population databases (rs762657738, gnomAD 0.006%). This variant has not been reported in the literature in individuals affected with EXT2-related conditions. ClinVar contains an entry for this variant (Variation ID: 1476753). Invitae Evidence Modeling of protein sequence and biophysical properties (such as structural, functional, and spatial information, amino acid conservation, physicochemical variation, residue mobility, and thermodynamic stability) has been performed for this missense variant. However, the output from this modeling did not meet the statistical confidence thresholds required to predict the impact of this variant on EXT2 protein function. In summary, the available evidence is currently insufficient to determine the role of this variant in disease. Therefore, it has been classified as a Variant of Uncertain Significance.

PreventionGenetics, part of Exact Sciences
Classification: Uncertain significance for EXT2-related condition. Last evaluated: 2024-10-14. Review status: criteria provided, single submitter. Criteria: ACMG Guidelines, 2015. Collection method: clinical testing. Allele origin: germline.
Comment: The EXT2 c.425A>G variant is predicted to result in the amino acid substitution p.Tyr142Cys. This variant has been reported in an individual with obsessive-compulsive disorder and overlap with Tourette syndrome and autism (Supplement-4, Cappi et al. 2020. PubMed ID: 31771860). This variant is reported in 0.0054% of alleles in individuals of East Asian descent in gnomAD. At this time, the clinical significance of this variant is uncertain due to the absence of conclusive functional and genetic evidence.